The following is an entry in ClinVar:

ClinVar aggregate classification (germline): Pathogenic (0 of 4 stars; one submission).

Conditions:
Steinert myotonic dystrophy syndrome (DM1). Also called: STEINERT DISEASE; Myotonic dystrophy type 1; Dystrophia myotonica type 1; Steinert myotonic dystrophy; Steinert's disease. Identifiers: Orphanet 273, MedGen C3250443, MONDO:0008056, OMIM 160900.

Submission:

Institute of Molecular, Cell and Systems Biology, University of Glasgow
Classification: Pathogenic for Steinert myotonic dystrophy syndrome. Review status: no assertion criteria provided. Criteria: research. Collection method: research. Allele origin: germline. Inheritance: Autosomal dominant inheritance. Affected: no. Observed: 1 heterozygote.
Comment: DMPK CTG repeat expansions greater than approximately 45-50 repeats are assumed to be pathogenic

This record is based on data published in PubMed 25052313, which reports only ClinVar accessions SCV000120188 and SCV000120189. The complete data set includes SCV000207445 - SCV000207579.

Literature cited by the submitters: PubMed 1346923; PubMed 1546326; PubMed 25052313.

NM_004409.5(DMPK):c.*224CTG[83]

Genes: DM1-AS (DM1 locus antisense RNA; plus strand), DMPK (DM1 protein kinase; minus strand), LOC107075317 (origin of replication in DMPK trinucleotide repeat region; plus strand), LOC109461477 (dystrophia myotonica protein kinase repeat instability region; plus strand). Cytogenetic location: 19q13.32.
Variant type: Microsatellite.
Coding change: c.*224CTG[83] on transcript NM_004409.5 (MANE Select); 83 copies in a row of the 3-base unit CTG starting at c.*224.
Molecular consequence: 3 prime UTR variant.
Genome position: GRCh38, VCF-style position (the base before the change): chr19:45,770,204. GRCh37 (hg19), VCF-style position (the base before the change): chr19:46,273,462.
Other names: DM1 CTG repeat expansion; c.*369CTG[83] (NM_001424164.1, NM_001424168.1, NM_001288766.2); c.*224CTG[83] (NM_001424165.1, NM_001424169.1, NM_001288764.2 and 1 more transcripts); c.*217CTG[83] (NM_001424166.1, NM_001081562.3, NM_001288765.2 and 2 more transcripts); c.*222_*224TGC[83] (NM_001081563.3).
Identifiers: ClinVar variation 188036 (VCV000188036.2), ClinGen allele CA915951866.